The following is an entry in ClinVar:

NM_000061.3(BTK):c.1843C>T (p.Arg615Cys)

Gene: BTK (Bruton tyrosine kinase; minus strand). Cytogenetic location: Xq22.1.
Variant type: single nucleotide variant.
Coding change: c.1843C>T on transcript NM_000061.3 (MANE Select); coding-DNA position 1843, C replaced by T.
Protein change: p.Arg615Cys; replaces arginine 615 with cysteine.
Molecular consequence: missense variant.
Genome position (GRCh38, 1-based): chrX:101,353,259, G>A on the plus strand (C>T on the coding strand, the complement: BTK is on the minus strand). VCF-style: chrX-101353259-G-A. GRCh37 (hg19) VCF-style: chrX-100608247-G-A.
Other names: c.1945C>T, p.Arg649Cys (NM_001287344.2); c.1315C>T, p.Arg439Cys (NM_001287345.2); short protein forms R615C, R439C, R649C.
Identifiers: ClinVar variation 636806 (VCV000636806.11), dbSNP rs1603001680, ClinGen allele CA413918882.

ClinVar aggregate classification (germline): Uncertain significance. Review status: criteria provided, multiple submitters, no conflicts (2 of 4 stars). 2 submissions from 2 submitters: Uncertain significance (2). Last evaluated 2018-10-10.

Conditions:
X-linked agammaglobulinemia with growth hormone deficiency (IGHD3). Also called: FLEISHER SYNDROME; AGAMMAGLOBULINEMIA AND ISOLATED GROWTH HORMONE DEFICIENCY, X-LINKED; Isolated growth hormone deficiency type 3; Growth hormone deficiency with hypogammaglobulinemia; ISOLATED GROWTH HORMONE DEFICIENCY, TYPE III, WITH AGAMMAGLOBULINEMIA; HYPOGAMMAGLOBULINEMIA AND ISOLATED GROWTH HORMONE DEFICIENCY, X-LINKED. Identifiers: Orphanet 231692, Orphanet 631, MedGen C0472813, MONDO:0010615, OMIM 307200.

Allele frequency attached by ClinVar (database versions not stated): gnomAD exomes below 0.00001.
gnomAD v4.1: 1 of 1,207,864 alleles (0.000083%); highest among the groups gnomAD compares: Non-Finnish European, 0.00011%; no homozygotes.

Submissions (2):

Labcorp Genetics (formerly Invitae), Labcorp
Classification: Uncertain significance for X-linked agammaglobulinemia with growth hormone deficiency. Last evaluated: 2018-10-10. Review status: criteria provided, single submitter. Criteria: Invitae Variant Classification Sherloc (09022015). Collection method: clinical testing. Allele origin: germline.
Comment: This sequence change replaces arginine with cysteine at codon 615 of the BTK protein (p.Arg615Cys). The arginine residue is highly conserved and there is a large physicochemical difference between arginine and cysteine. This variant is not present in population databases (ExAC no frequency). This variant has not been reported in the literature in individuals with BTK-related disease. Algorithms developed to predict the effect of missense changes on protein structure and function (SIFT, PolyPhen-2, Align-GVGD) all suggest that this variant is likely to be disruptive, but these predictions have not been confirmed by published functional studies and their clinical significance is uncertain. In summary, the available evidence is currently insufficient to determine the role of this variant in disease. Therefore, it has been classified as a Variant of Uncertain Significance.

Blueprint Genetics
Classification: Uncertain significance. Last evaluated: 2018-10-03. Review status: criteria provided, single submitter. Criteria: ACMG Guidelines, 2015. Collection method: clinical testing. Allele origin: germline.